The following is an entry in ClinVar:

ClinVar aggregate classification (germline): Likely pathogenic (1 of 4 stars; one submission).

Conditions:
Kabuki syndrome 1 (KABUK1). Also called: KMT2D-Related Kabuki Syndrome. Identifiers: Orphanet 2322, MedGen CN030661, MONDO:0007843, OMIM 147920.

Submission:

Clinical Genetics Laboratory, Region Ostergotland
Classification: Likely pathogenic for Kabuki syndrome 1. Last evaluated: 2025-10-07. Review status: criteria provided, single submitter. Criteria: ACMG Guidelines, 2015. Collection method: clinical testing. Allele origin: de novo. Affected: yes.
Comment: The variant was confirmed de novo by parental testing. The variant is not found in population database (no frequency gnomAD v4.1.0 (non-UKB)). Cocciadiferro el at have described missense variants in KMT2D in Kabuki Syndrome patients (PMID:30107592). The following ACMG/AMP criteria were applied in classifying this variant as Likely Pathogenic: PM2, PS2_moderate, PM1

Literature cited by the submitters: PubMed 30107592.

NM_003482.4(KMT2D):c.15723T>G (p.Phe5241Leu)

Gene: KMT2D (lysine methyltransferase 2D; minus strand). Cytogenetic location: 12q13.12.
Variant type: single nucleotide variant.
Coding change: c.15723T>G on transcript NM_003482.4 (MANE Select); coding-DNA position 15723, T replaced by G.
Protein change: p.Phe5241Leu; replaces phenylalanine 5241 with leucine.
Molecular consequence: missense variant.
Genome position (GRCh38, 1-based): chr12:49,026,243, A>C on the plus strand (T>G on the coding strand, the complement: KMT2D is on the minus strand). VCF-style: chr12-49026243-A-C. GRCh37 (hg19) VCF-style: chr12-49420026-A-C.
Other names: short protein forms F5241L.
Identifiers: ClinVar variation 4849853 (VCV004849853.2).